The following is an entry in ClinVar:

ClinVar aggregate classification (germline): Uncertain significance (1 of 4 stars; one submission).

Allele frequency attached by ClinVar (database versions not stated): gnomAD exomes below 0.00001.
gnomAD v4.1: 3 of 1,613,978 alleles (0.00019%); highest among the groups gnomAD compares: Non-Finnish European, 0.00025%; no homozygotes.

Submission:

GeneDx
Classification: Uncertain significance. Last evaluated: 2022-06-10. Review status: criteria provided, single submitter. Criteria: GeneDx Variant Classification Process June 2021. Collection method: clinical testing. Allele origin: germline. Affected: yes.
Comment: Not observed at significant frequency in large population cohorts (gnomAD); In silico analysis supports that this missense variant has a deleterious effect on protein structure/function; Has not been previously published as pathogenic or benign to our knowledge

NM_001394062.1(MACF1):c.12025T>C (p.Trp4009Arg)

Genes: MACF1 (microtubule actin crosslinking factor 1; plus strand), LOC126805711 (CDK7 strongly-dependent group 2 enhancer GRCh37_chr1:39824023-39825222; plus strand). Cytogenetic location: 1p34.3.
Variant type: single nucleotide variant.
Coding change: c.12025T>C on transcript NM_001394062.1 (MANE Select); coding-DNA position 12025, T replaced by C.
Protein change: p.Trp4009Arg; replaces tryptophan 4009 with arginine.
Molecular consequence: missense variant.
Genome position (GRCh38, 1-based): chr1:39,358,778, T>C. VCF-style: chr1-39358778-T-C. GRCh37 (hg19) VCF-style: chr1-39824450-T-C.
Other names: c.5839T>C, p.Trp1947Arg (NM_012090.5); short protein forms W1947R, W4009R.
Identifiers: ClinVar variation 1803434 (VCV001803434.1), dbSNP rs910674077, ClinGen allele CA20925400.